The following is an entry in ClinVar:

ClinVar aggregate classification (germline): Uncertain significance (1 of 4 stars; one submission).

Allele frequency attached by ClinVar (database versions not stated): gnomAD exomes 0.00001; ExAC 0.00002; gnomAD 0.00003; TOPMed 0.00004.
gnomAD v4.1: 8 of 1,613,768 alleles (0.0005%); highest among the groups gnomAD compares: African/African-American, 0.011%; no homozygotes.

Submission:

Labcorp Genetics (formerly Invitae), Labcorp
Classification: Uncertain significance. Last evaluated: 2023-11-27. Review status: criteria provided, single submitter. Criteria: Invitae Variant Classification Sherloc (09022015). Collection method: clinical testing. Allele origin: germline.
Comment: This sequence change replaces glycine, which is neutral and non-polar, with serine, which is neutral and polar, at codon 1742 of the MPDZ protein (p.Gly1742Ser). This variant is present in population databases (rs745864046, gnomAD 0.02%). This variant has not been reported in the literature in individuals affected with MPDZ-related conditions. ClinVar contains an entry for this variant (Variation ID: 1347345). An algorithm developed to predict the effect of missense changes on protein structure and function (PolyPhen-2) suggests that this variant is likely to be disruptive. In summary, the available evidence is currently insufficient to determine the role of this variant in disease. Therefore, it has been classified as a Variant of Uncertain Significance.

NM_001378778.1(MPDZ):c.5224G>A (p.Gly1742Ser)

Gene: MPDZ (multiple PDZ domain crumbs cell polarity complex component; minus strand). Cytogenetic location: 9p23.
Variant type: single nucleotide variant.
Coding change: c.5224G>A on transcript NM_001378778.1 (MANE Select); coding-DNA position 5224, G replaced by A.
Protein change: p.Gly1742Ser; replaces glycine 1742 with serine.
Molecular consequence: missense variant.
Genome position (GRCh38, 1-based): chr9:13,121,746, C>T on the plus strand (G>A on the coding strand, the complement: MPDZ is on the minus strand). VCF-style: chr9-13121746-C-T. GRCh37 (hg19) VCF-style: chr9-13121745-C-T.
Other names: c.5125G>A, p.Gly1709Ser (NM_001261406.2, NM_001261407.2, NM_001375416.1 and 3 more transcripts); c.5224G>A, p.Gly1742Ser (NM_001330637.2, NM_003829.5); c.5323G>A, p.Gly1775Ser (NM_001375413.1); c.5014G>A, p.Gly1672Ser (NM_001375420.1, NM_001375421.1, NM_001375422.1 and 4 more transcripts); c.4816G>A, p.Gly1606Ser (NM_001375427.1); short protein forms G1672S, G1709S, G1742S, G1775S, G1606S.
Identifiers: ClinVar variation 1347345 (VCV001347345.8), dbSNP rs745864046, ClinGen allele CA4986400.
Genomic context (GRCh38, chr9:13,121,746, plus strand): 5'-TTTAAGTCCCATCATTTCCAAGGGAGCATTGGGTTTGTCCTCCTCAATCACACCTTTTAC[C>T]AACAATACTTAATCCTAGGCCTTTTCCCGGCTTCTTCTGCAGCTCAATAGTGAGGGTGTC-3'
Protein context (NP_001365707.1, residues 1732-1752): PGKGLGLSIV[Gly1742Ser]KRNDTGVFVS